The following is an entry in ClinVar:

NM_001261826.3(AP3D1):c.1952G>A (p.Arg651Gln)

Gene: AP3D1 (adaptor related protein complex 3 subunit delta 1; minus strand). Cytogenetic location: 19p13.3.
Variant type: single nucleotide variant.
Coding change: c.1952G>A on transcript NM_001261826.3 (MANE Select); coding-DNA position 1952, G replaced by A.
Protein change: p.Arg651Gln; replaces arginine 651 with glutamine.
Molecular consequence: missense variant.
Genome position (GRCh38, 1-based): chr19:2,116,654, C>T on the plus strand (G>A on the coding strand, the complement: AP3D1 is on the minus strand). VCF-style: chr19-2116654-C-T. GRCh37 (hg19) VCF-style: chr19-2116653-C-T.
Other names: c.1952G>A (NM_003938.5); c.1952G>A, p.Arg651Gln (NM_001374799.1, NM_003938.8); short protein forms R651Q.
Identifiers: ClinVar variation 1406061 (VCV001406061.8), dbSNP rs762244336, ClinGen allele CA9059114.

ClinVar aggregate classification (germline): Uncertain significance. Review status: criteria provided, multiple submitters, no conflicts (2 of 4 stars). 2 submissions from 2 submitters: Uncertain significance (2). Last evaluated 2025-12-29.

Conditions:
Inborn genetic diseases. Identifiers: MedGen C0950123, MeSH D030342.

Allele frequency attached by ClinVar (database versions not stated): gnomAD 0.00001; gnomAD exomes 0.00001 and 0.00002; ExAC 0.00002; TOPMed 0.00005.
gnomAD v4.1: 17 of 1,605,164 alleles (0.0011%); highest among the groups gnomAD compares: East Asian, 0.009%; no homozygotes.

Submissions (2):

Labcorp Genetics (formerly Invitae), Labcorp
Classification: Uncertain significance. Last evaluated: 2025-12-29. Review status: criteria provided, single submitter. Criteria: Invitae Variant Classification Sherloc (09022015). Collection method: clinical testing. Allele origin: germline.
Comment: This sequence change replaces arginine, which is basic and polar, with glutamine, which is neutral and polar, at codon 651 of the AP3D1 protein (p.Arg651Gln). The frequency data for this variant in the population databases is considered unreliable, as metrics indicate poor data quality at this position in the gnomAD database. This variant has not been reported in the literature in individuals affected with AP3D1-related conditions. ClinVar contains an entry for this variant (Variation ID: 1406061). An algorithm developed to predict the effect of missense changes on protein structure and function (PolyPhen-2) suggests that this variant is likely to be tolerated. In summary, the available evidence is currently insufficient to determine the role of this variant in disease. Therefore, it has been classified as a Variant of Uncertain Significance.

Ambry Genetics
Classification: Uncertain significance for Inborn genetic diseases. Last evaluated: 2025-06-16. Review status: criteria provided, single submitter. Criteria: Ambry Variant Classification Scheme 2023. Collection method: clinical testing. Allele origin: germline.